The following is an entry in ClinVar:

ClinVar aggregate classification (germline): Likely pathogenic (1 of 4 stars; one submission).

Conditions:
Severe combined immunodeficiency, autosomal recessive, T cell-negative, B cell-negative, NK cell-positive. Also called: SCID, AR, T-cell negative, B-cell negative, NK cell-positive; SCID, T CELL-NEGATIVE, B CELL-NEGATIVE, NK CELL-POSITIVE; Severe combined immunodeficiency due to complete RAG1/2 deficiency. Identifiers: Orphanet 331206, MedGen C1832322, MONDO:0011086, OMIM 601457.
Combined immunodeficiency with skin granulomas. Identifiers: Orphanet 157949, MedGen C2673536, MONDO:0009306, OMIM 233650.

Submission:

Labcorp Genetics (formerly Invitae), Labcorp
Classification: Likely pathogenic for Combined immunodeficiency with skin granulomas; Severe combined immunodeficiency, autosomal recessive, T cell-negative, B cell-negative, NK cell-positive. Last evaluated: 2024-01-13. Review status: criteria provided, single submitter. Criteria: Invitae Variant Classification Sherloc (09022015). Collection method: clinical testing. Allele origin: germline.
Comment: This sequence change replaces glycine, which is neutral and non-polar, with serine, which is neutral and polar, at codon 35 of the RAG2 protein (p.Gly35Ser). This variant is not present in population databases (gnomAD no frequency). This variant has not been reported in the literature in individuals affected with RAG2-related conditions. Advanced modeling of protein sequence and biophysical properties (such as structural, functional, and spatial information, amino acid conservation, physicochemical variation, residue mobility, and thermodynamic stability) performed at Invitae indicates that this missense variant is expected to disrupt RAG2 protein function with a positive predictive value of 95%. This variant disrupts the p.Gly35 amino acid residue in RAG2. Other variant(s) that disrupt this residue have been determined to be pathogenic (PMID: 10777560, 15025726, 29772310, 30307608, 30778343, 31388879). This suggests that this residue is clinically significant, and that variants that disrupt this residue are likely to be disease-causing. In summary, the currently available evidence indicates that the variant is pathogenic, but additional data are needed to prove that conclusively. Therefore, this variant has been classified as Likely Pathogenic.

Literature cited by the submitters: PubMed 10777560; PubMed 15025726; PubMed 29772310; PubMed 30307608; PubMed 30778343; PubMed 31388879.

NM_000536.4(RAG2):c.103G>A (p.Gly35Ser)

Gene: RAG2 (recombination activating 2; minus strand). Cytogenetic location: 11p12.
Variant type: single nucleotide variant.
Coding change: c.103G>A on transcript NM_000536.4 (MANE Select); coding-DNA position 103, G replaced by A.
Protein change: p.Gly35Ser; replaces glycine 35 with serine.
Molecular consequence: missense variant.
Genome position (GRCh38, 1-based): chr11:36,594,066, C>T on the plus strand (G>A on the coding strand, the complement: RAG2 is on the minus strand). VCF-style: chr11-36594066-C-T. GRCh37 (hg19) VCF-style: chr11-36615616-C-T.
Other names: c.103G>A, p.Gly35Ser (NM_001243785.2, NM_001243786.2); short protein forms G35S.
Identifiers: ClinVar variation 2922184 (VCV002922184.3), dbSNP rs2494799990, ClinGen allele CA380144633.